The following is an entry in ClinVar:

ClinVar aggregate classification (germline): Conflicting classifications of pathogenicity. Review status: criteria provided, conflicting classifications (1 of 4 stars). 10 submissions from 7 submitters: Uncertain significance (1); Likely benign (8). 1 of the submissions does not count toward it. Last evaluated 2026-08-06.

Conditions:
Malignant hyperthermia, susceptibility to, 5 (MHS5). Also called: CACNA1S-Related Malignant Hyperthermia Susceptibility. Identifiers: Orphanet 423, MedGen C1866077, MONDO:0011163, OMIM 601887.
Hypokalemic periodic paralysis, type 1. Also called: HypoPP; Hypokalemic Periodic Paralysis Type 1 (AD). Identifiers: Orphanet 681, MedGen C3714580, MONDO:0042979, OMIM 170400.
Acute rhabdomyolysis. Identifiers: MedGen C3807306, HP:0008942.
CACNA1S-related disorder. Also called: CACNA1S-related condition.
Congenital myopathy 18. Also called: Myopathy, congenital, due to dihydropyridine receptor defect; DIHYDROPYRIDINE RECEPTOR CONGENITAL MYOPATHY; DHPR CONGENITAL MYOPATHY. Identifiers: MedGen C5830283, MONDO:0859514, OMIM 620246.
Thyrotoxic periodic paralysis, susceptibility to, 1 (TTPP1). Identifiers: Orphanet 79102, MedGen C2749982, MONDO:0008570, OMIM 188580.

Allele frequency attached by ClinVar (database versions not stated): gnomAD exomes 0.00004; TOPMed 0.00006; gnomAD 0.00008 and 0.00009; 1000 Genomes Project 30x 0.00016; 1000 Genomes Project 0.00020.
gnomAD v4.1: 81 of 1,551,508 alleles (0.0052%); highest among the groups gnomAD compares: African/African-American, 0.0068%; no homozygotes.

Submissions (10):

NHS Central & South Genomic Laboratory Hub
Classification: Uncertain significance for Acute Rhabdomyolysis. Last evaluated: 2026-08-06. Review status: criteria provided, single submitter. Criteria: ACMG Guidelines, 2015. Collection method: clinical testing. Allele origin: germline. Affected: yes.

Labcorp Genetics (formerly Invitae), Labcorp
Classification: Likely benign for Hypokalemic periodic paralysis, type 1; Malignant hyperthermia, susceptibility to, 5. Last evaluated: 2025-08-05. Review status: criteria provided, single submitter. Criteria: Invitae Variant Classification Sherloc (09022015). Collection method: clinical testing. Allele origin: germline.

All of Us Research Program, National Institutes of Health
Classification: Likely benign for Malignant hyperthermia, susceptibility to, 5. Last evaluated: 2024-02-05. Review status: criteria provided, single submitter. Criteria: ACMG Guidelines, 2015. Collection method: clinical testing. Allele origin: germline. Inheritance: Autosomal dominant inheritance. Observed: 14 variant alleles, 14 heterozygotes.
Comment: This study involves interpretation of variants in research participants for the purpose of population health screening. Participant phenotype was not available at the time of variant classification. Additional details can be found in publication PMID: 35346344, PMCID: PMC8962531

Genome-Nilou Lab
Classification: Likely benign for Malignant hyperthermia, susceptibility to, 5. Last evaluated: 2023-04-11. Review status: criteria provided, single submitter. Criteria: ACMG Guidelines, 2015. Collection method: clinical testing. Allele origin: germline. Affected: no.

Genome-Nilou Lab
Classification: Likely benign for Thyrotoxic periodic paralysis, susceptibility to, 1. Last evaluated: 2023-04-11. Review status: criteria provided, single submitter. Criteria: ACMG Guidelines, 2015. Collection method: clinical testing. Allele origin: germline. Affected: no.

Genome-Nilou Lab
Classification: Likely benign for Congenital myopathy 18. Last evaluated: 2023-04-11. Review status: criteria provided, single submitter. Criteria: ACMG Guidelines, 2015. Collection method: clinical testing. Allele origin: germline. Affected: no.

Genome-Nilou Lab
Classification: Likely benign for Hypokalemic periodic paralysis, type 1. Last evaluated: 2023-04-11. Review status: criteria provided, single submitter. Criteria: ACMG Guidelines, 2015. Collection method: clinical testing. Allele origin: germline. Affected: no.

Color Diagnostics, LLC DBA Color Health
Classification: Likely benign for Malignant hyperthermia, susceptibility to, 5. Last evaluated: 2023-01-20. Review status: criteria provided, single submitter. Criteria: ACMG Guidelines, 2015. Collection method: clinical testing. Allele origin: germline.

Fulgent Genetics
Classification: Likely benign for Hypokalemic periodic paralysis, type 1; Thyrotoxic periodic paralysis, susceptibility to, 1; Malignant hyperthermia, susceptibility to, 5. Last evaluated: 2022-03-25. Review status: criteria provided, single submitter. Criteria: ACMG Guidelines, 2015. Collection method: clinical testing. Allele origin: unknown.

PreventionGenetics, part of Exact Sciences
Classification: Likely benign for CACNA1S-related condition. Last evaluated: 2023-11-30. Review status: no assertion criteria provided. Collection method: clinical testing. Allele origin: germline. Not counted in ClinVar's aggregate classification.
Comment: This variant is classified as likely benign based on ACMG/AMP sequence variant interpretation guidelines (Richards et al. 2015 PMID: 25741868, with internal and published modifications).

NM_000069.3(CACNA1S):c.2361-10G>A

Gene: CACNA1S (calcium voltage-gated channel subunit alpha1 S; minus strand). Cytogenetic location: 1q32.1.
Variant type: single nucleotide variant.
Coding change: c.2361-10G>A on transcript NM_000069.3 (MANE Select); 10 bases into the intron before coding-DNA position 2361, G replaced by A.
Molecular consequence: intron variant.
Genome position (GRCh38, 1-based): chr1:201,069,611, C>T on the plus strand (G>A on the coding strand, the complement: CACNA1S is on the minus strand). VCF-style: chr1-201069611-C-T. GRCh37 (hg19) VCF-style: chr1-201038739-C-T.
Identifiers: ClinVar variation 541059 (VCV000541059.18), dbSNP rs533238983, ClinGen allele CA35973617.
Genomic context (GRCh38, chr1:201,069,611, plus strand): 5'-AAGTTGGTAAACCAGGTGGCATTGACGATGCGGTGACACAGGACACGGATCCTGGTGGGG[C>T]GAGGTAGGGAGGGCAGGGGAGCTGTGAGCTGCTGGAGGCTCAGGCCTCATCAGCCTCCAT-3'